The following is an entry in ClinVar:

NM_001370298.3(FGD4):c.908C>G (p.Pro303Arg)

Gene: FGD4 (FYVE, RhoGEF and PH domain containing 4; plus strand). Cytogenetic location: 12p11.21.
Variant type: single nucleotide variant.
Coding change: c.908C>G on transcript NM_001370298.3 (MANE Select); coding-DNA position 908, C replaced by G.
Protein change: p.Pro303Arg; replaces proline 303 with arginine.
Molecular consequence: missense variant. On other transcripts: 5 prime UTR variant (2), non-coding transcript variant (1), intron variant (1).
Genome position (GRCh38, 1-based): chr12:32,582,364, C>G. VCF-style: chr12-32582364-C-G. GRCh37 (hg19) VCF-style: chr12-32735298-C-G.
Other names: c.752C>G, p.Pro251Arg (NM_001304481.2); c.-348C>G (NM_001304483.2); c.-655C>G (NM_001304484.2); c.218C>G, p.Pro73Arg (NM_001330373.2, NM_001330374.2, NM_001384130.1); c.908C>G, p.Pro303Arg (NM_001384126.1); c.497C>G, p.Pro166Arg (NM_001384127.1, NM_001384128.1, NM_001384131.1 and 3 more transcripts); c.49-16133C>G (NM_001370297.1); short protein forms P303R, P73R, P166R, P251R.
Identifiers: ClinVar variation 1744517 (VCV001744517.2), dbSNP rs145496133, ClinGen allele CA6506642.

ClinVar aggregate classification (germline): Uncertain significance (1 of 4 stars; one submission).

Conditions:
Inborn genetic diseases. Identifiers: MedGen C0950123, MeSH D030342.

Allele frequency attached by ClinVar (database versions not stated): ExAC 0.00002; ESP Exome Variant Server 0.00008.
gnomAD v4.1: 6 of 1,614,086 alleles (0.00037%); highest among the groups gnomAD compares: South Asian, 0.0055%; no homozygotes.

Submission:

Ambry Genetics
Classification: Uncertain significance for Inborn genetic diseases. Last evaluated: 2021-04-09. Review status: criteria provided, single submitter. Criteria: Ambry Variant Classification Scheme 2023. Collection method: clinical testing. Allele origin: germline.
Comment: The p.P166R variant (also known as c.497C>G), located in coding exon 2 of the FGD4 gene, results from a C to G substitution at nucleotide position 497. The proline at codon 166 is replaced by arginine, an amino acid with dissimilar properties. This amino acid position is not well conserved in available vertebrate species. In addition, this alteration is predicted to be tolerated by in silico analysis. Since supporting evidence is limited at this time, the clinical significance of this alteration remains unclear.